The following is an entry in ClinVar:

ClinVar aggregate classification (germline): Uncertain significance (1 of 4 stars; one submission).

Submission:

Mayo Clinic Laboratories, Mayo Clinic
Classification: Uncertain significance. Last evaluated: 2024-08-14. Review status: criteria provided, single submitter. Criteria: ACMG Guidelines, 2015. Collection method: clinical testing. Allele origin: germline. Observed: 1 variant allele.
Comment: PM2

NM_000141.5(FGFR2):c.2414dup (p.Tyr805Ter)

Gene: FGFR2 (fibroblast growth factor receptor 2; minus strand). Cytogenetic location: 10q26.13.
Variant type: Duplication.
Coding change: c.2414dup on transcript NM_000141.5 (MANE Select); coding-DNA position 2414, one base duplicated (A; older notation c.2414dupA).
Protein change: p.Tyr805Ter; replaces tyrosine 805 with a stop codon.
Molecular consequence: nonsense. On other transcripts: frameshift variant (1), non-coding transcript variant (1), intron variant (1).
Genome position (GRCh38, 1-based): chr10:121,479,909, T duplicated on the plus strand (A on the coding strand, the reverse complement: FGFR2 is on the minus strand). VCF-style (leftmost placement, unchanged base first): chr10-121479908-G-GT. GRCh37 (hg19) VCF-style: chr10-123239422-G-GT.
Other names: p.Tyr805*; c.2078dup, p.Tyr693Ter (NM_001144914.1); c.2069dup, p.Tyr690Ter (NM_001144916.2); c.2066dup, p.Tyr689Ter (NM_001144917.2); c.2063dup, p.Tyr688Ter (NM_001144918.2); c.1730dup, p.Tyr577Ter (NM_001320654.2); c.2408dup, p.Tyr803Ter (NM_001320658.2); c.2417dup, p.Tyr806Ter (NM_022970.4); and 2 more; short protein forms Y577*, Y688*, Y689*, Y690*, Y693*, Y716*, Y803*, Y805*.
Identifiers: ClinVar variation 3379995 (VCV003379995.1).